The following is an entry in ClinVar:

NM_018714.3(COG1):c.2872G>A (p.Val958Ile)

Genes: COG1 (component of oligomeric golgi complex 1; plus strand), VCF1 (VCP nuclear cofactor family member 1; minus strand). Cytogenetic location: 17q25.1.
Variant type: single nucleotide variant.
Coding change: c.2872G>A on transcript NM_018714.3 (MANE Select); coding-DNA position 2872, G replaced by A.
Protein change: p.Val958Ile; replaces valine 958 with isoleucine.
Molecular consequence: missense variant. On other transcripts: 3 prime UTR variant (5).
Genome position (GRCh38, 1-based): chr17:73,208,380, G>A. VCF-style: chr17-73208380-G-A. GRCh37 (hg19) VCF-style: chr17-71204519-G-A.
Other names: c.*1149C>T (NM_001098832.2, NM_001289412.2, NM_032837.3); c.*1298C>T (NM_001289410.1, NM_001289411.1); short protein forms V958I.
Identifiers: ClinVar variation 1938936 (VCV001938936.5), dbSNP rs773693157, ClinGen allele CA8740693.

ClinVar aggregate classification (germline): Uncertain significance (1 of 4 stars; one submission).

Conditions:
COG1 congenital disorder of glycosylation (CDG2G). Also called: CDG IIg; CDGII/COG1 CEREBROCOSTOMANDIBULAR-LIKE SYNDROME; CONGENITAL DISORDER OF GLYCOSYLATION, TYPE IIg. Identifiers: Orphanet 263508, MedGen C2931011, MONDO:0012637, OMIM 611209.

Allele frequency attached by ClinVar (database versions not stated): ExAC 0.00001; gnomAD exomes 0.00001.
gnomAD v4.1: 10 of 1,614,196 alleles (0.00062%); highest among the groups gnomAD compares: Non-Finnish European, 0.00085%; no homozygotes.

Submission:

Labcorp Genetics (formerly Invitae), Labcorp
Classification: Uncertain significance for COG1 congenital disorder of glycosylation. Last evaluated: 2022-08-05. Review status: criteria provided, single submitter. Criteria: Invitae Variant Classification Sherloc (09022015). Collection method: clinical testing. Allele origin: germline.
Comment: This sequence change replaces valine, which is neutral and non-polar, with isoleucine, which is neutral and non-polar, at codon 958 of the COG1 protein (p.Val958Ile). In summary, the available evidence is currently insufficient to determine the role of this variant in disease. Therefore, it has been classified as a Variant of Uncertain Significance. Algorithms developed to predict the effect of missense changes on protein structure and function output the following: SIFT: "Tolerated"; PolyPhen-2: "Benign"; Align-GVGD: "Class C0". The isoleucine amino acid residue is found in multiple mammalian species, which suggests that this missense change does not adversely affect protein function. This variant has not been reported in the literature in individuals affected with COG1-related conditions. This variant is present in population databases (rs773693157, gnomAD 0.003%).